The following is an entry in ClinVar:

ClinVar aggregate classification (germline): Uncertain significance (1 of 4 stars; one submission).

Conditions:
Neuronopathy, distal hereditary motor, autosomal recessive 9 (HMNR9). Also called: NEUROPATHY, DISTAL HEREDITARY MOTOR, AUTOSOMAL RECESSIVE 9. Identifiers: Orphanet 658778, MedGen C5882672, MONDO:0957874, OMIM 620402.
Primary coenzyme Q10 deficiency 8. Identifiers: MedGen C4225226, MONDO:0014754, OMIM 616733.

Submission:

Juno Genomics, Hangzhou Juno Genomics, Inc
Classification: Uncertain significance for Neuronopathy, distal hereditary motor, autosomal recessive 9; Primary coenzyme Q10 deficiency 8. Review status: criteria provided, single submitter. Criteria: ACMG Guidelines, 2015. Collection method: clinical testing. Allele origin: germline.
Comment: Null variant in a gene where loss of function (LOF) is a known mechanism of disease.;Absent from controls (or at extremely low frequency if recessive) in Genome Aggregation Database.

NM_016138.5(COQ7):c.209_216dup (p.Val73fs)

Gene: COQ7 (coenzyme Q7, hydroxylase; plus strand). Cytogenetic location: 16p12.3.
Variant type: Duplication.
Coding change: c.209_216dup on transcript NM_016138.5 (MANE Select); coding-DNA positions 209 to 216, 8 bases duplicated (AGATGGCT; older notation c.209_216dupAGATGGCT).
Protein change: p.Val73fs; shifts the reading frame from valine 73.
Molecular consequence: frameshift variant. On other transcripts: non-coding transcript variant (3).
Genome position (GRCh38, 1-based): chr16:19,072,063-19,072,070, AGATGGCT duplicated. VCF-style (leftmost placement, unchanged base first): chr16-19072062-C-CAGATGGCT. GRCh37 (hg19) VCF-style: chr16-19083384-C-CAGATGGCT.
Other names: c.95_102dup, p.Val35fs (NM_001190983.2, NM_001370492.1, NM_001370493.1 and 2 more transcripts); c.167_174dup, p.Val59fs (NM_001370489.1, NM_001370491.1); c.209_216dup, p.Val73fs (NM_001370490.1); short protein forms V73fs, V35fs, V59fs.
Identifiers: ClinVar variation 5005515 (VCV005005515.2).